The following is an entry in ClinVar:

NM_000069.3(CACNA1S):c.1084del (p.Asp362fs)

Gene: CACNA1S (calcium voltage-gated channel subunit alpha1 S; minus strand). Cytogenetic location: 1q32.1.
Variant type: Deletion.
Coding change: c.1084del on transcript NM_000069.3 (MANE Select); coding-DNA position 1084, one base deleted (G; older notation c.1084delG).
Protein change: p.Asp362fs; shifts the reading frame from aspartic acid 362.
Molecular consequence: frameshift variant.
Genome position (GRCh38, 1-based): chr1:201,085,502, C deleted on the plus strand (G on the coding strand, the reverse complement: CACNA1S is on the minus strand); the first of 2 consecutive C bases (chr1:201,085,502-201,085,503); deleting either gives the same sequence. VCF-style (leftmost placement, unchanged base first): chr1-201085501-TC-T. GRCh37 (hg19) VCF-style: chr1-201054629-TC-T.
Other names: short protein forms D362fs.
Identifiers: ClinVar variation 3376615 (VCV003376615.1).
Genomic context (GRCh38, chr1:201,085,501, plus strand): 5'-CTGAAGTCCTCAACATCCATGACCTCGCCCTGCGTGATCCAGCTCATGTAGCCCCGAAGG[TC>T]CTCATCTAGTTGCTGCTTCTCCCGGAGCTTCTGGAAGGTTCCCCTGGACTTGGCCTTCTC-3'

ClinVar aggregate classification (germline): Pathogenic (1 of 4 stars; one submission).

Conditions:
Congenital myopathy. Identifiers: Orphanet 97245, MedGen C0270960, MONDO:0019952.

Submission:

Victorian Clinical Genetics Services, Murdoch Childrens Research Institute
Classification: Pathogenic for Congenital myopathy. Last evaluated: 2022-02-02. Review status: criteria provided, single submitter. Criteria: ACMG Guidelines, 2015. Collection method: clinical testing. Allele origin: germline. Inheritance: Autosomal recessive inheritance.
Comment: Based on the classification scheme VCGS_Germline_v1.3.4, this variant is classified as Pathogenic. Following criteria are met: 0102 - Loss of function is a known mechanism of disease in this gene and is associated with congenital myopathy (PMID: 28012042). (I) 0108 - This gene is associated with both recessive and dominant disease. A number of dominant conditions are associated with this gene (OMIM), however congenital myopathy involving frameshift variants is inherited in a recessive manner (PMID: 28012042). (I) 0201 - Variant is predicted to cause nonsense-mediated decay (NMD) and loss of protein (premature termination codon is located at least 54 nucleotides upstream of the final exon-exon junction). (SP) 0251 - This variant is heterozygous. (I) 0301 - Variant is absent from gnomAD (both v2 and v3). (SP) 0702 - Other NMD-predicted variants comparable to the one identified in this case have strong previous evidence for pathogenicity. At least six other frameshifts have been reported in compound heterozygosity with missense variants in individuals with autosomal recessive congenital myopathy (PMID: 26247046, PMID: 28012042). (SP) 0807 - This variant has no previous evidence of pathogenicity. (I) 0905 - No published segregation evidence has been identified for this variant. (I) 1007 - No published functional evidence has been identified for this variant. (SP) Legend: (SP) - Supporting pathogenic, (I) - Information, (SB) - Supporting benign

Literature cited by the submitters: PubMed 26247046; PubMed 28012042.